The following is an entry in ClinVar:

ClinVar aggregate classification (germline): Uncertain significance. Review status: criteria provided, multiple submitters, no conflicts (2 of 4 stars). 2 submissions from 2 submitters: Uncertain significance (2). Last evaluated 2024-09-10.

Conditions:
Short-rib thoracic dysplasia 14 with polydactyly (SRTD14). Identifiers: Orphanet 397715, MedGen C4225286, MONDO:0014688, OMIM 616546.
Joubert syndrome 23 (JBTS23). Identifiers: Orphanet 475, MedGen C4084822, MONDO:0014664, OMIM 616490.

Allele frequency attached by ClinVar (database versions not stated): TOPMed 0.00003; gnomAD exomes 0.00022 and 0.00067; gnomAD 0.00054 and 0.00056; ExAC 0.00056.

Submissions (2):

Blueprint Genetics
Classification: Uncertain significance. Last evaluated: 2024-09-10. Review status: criteria provided, single submitter. Criteria: ACMG Guidelines, 2015. Collection method: clinical testing. Allele origin: germline.

Labcorp Genetics (formerly Invitae), Labcorp
Classification: Uncertain significance for Joubert syndrome 23; Short-rib thoracic dysplasia 14 with polydactyly. Last evaluated: 2022-10-25. Review status: criteria provided, single submitter. Criteria: Invitae Variant Classification Sherloc (09022015). Collection method: clinical testing. Allele origin: germline.
Comment: This sequence change creates a premature translational stop signal (p.Val1549Ilefs*16) in the KIAA0586 gene. It is expected to result in an absent or disrupted protein product. Loss-of-function variants in KIAA0586 are known to be pathogenic (PMID: 26096313, 26166481, 26386044). This variant is present in population databases (rs777199366, gnomAD 0.6%), and has an allele count higher than expected for a pathogenic variant. This variant has not been reported in the literature in individuals affected with KIAA0586-related conditions. ClinVar contains an entry for this variant (Variation ID: 1036257). In summary, the available evidence is currently insufficient to determine the role of this variant in disease. Therefore, it has been classified as a Variant of Uncertain Significance.

Literature cited by the submitters: PubMed 26096313 (cited by Labcorp Genetics (formerly Invitae), Labcorp); PubMed 26166481 (cited by Labcorp Genetics (formerly Invitae), Labcorp); PubMed 26386044 (cited by Labcorp Genetics (formerly Invitae), Labcorp).

NM_001329943.3(KIAA0586):c.4482_4483del (p.Val1496fs)

Gene: KIAA0586 (KIAA0586; plus strand). Cytogenetic location: 14q23.1.
Variant type: Deletion.
Coding change: c.4482_4483del on transcript NM_001329943.3 (MANE Select); coding-DNA positions 4482 to 4483, 2 bases deleted (AT; older notation c.4482_4483delAT).
Protein change: p.Val1496fs; shifts the reading frame from valine 1496.
Molecular consequence: frameshift variant. On other transcripts: intron variant (2).
Genome position (GRCh38, 1-based): chr14:58,540,123-58,540,124, AT deleted. VCF-style (leftmost placement, unchanged base first): chr14-58540122-CAT-C. GRCh37 (hg19) VCF-style: chr14-59006840-CAT-C.
Other names: c.4641_4642del, p.Val1549fs (NM_001244189.2); c.4437_4438del, p.Val1481fs (NM_001244190.2); c.4227_4228del, p.Val1411fs (NM_001244191.2, NM_001364701.2); c.4350_4351del, p.Val1452fs (NM_001244192.2, NM_001329947.2); c.4482_4483del, p.Val1496fs (NM_001329944.2); c.4254_4255del, p.Val1420fs (NM_014749.5); c.4430-7658_4430-7657del (NM_001329946.2); c.4175-7658_4175-7657del (NM_001329945.2); short protein forms V1411fs, V1420fs, V1452fs, V1481fs, V1496fs, V1549fs.
Identifiers: ClinVar variation 1036257 (VCV001036257.5), dbSNP rs777199366, ClinGen allele CA7206411.